The following is an entry in ClinVar:

NM_000159.4(GCDH):c.1131A>G (p.Lys377=)

Gene: GCDH (glutaryl-CoA dehydrogenase; plus strand). Cytogenetic location: 19p13.13.
Variant type: single nucleotide variant.
Coding change: c.1131A>G on transcript NM_000159.4 (MANE Select); coding-DNA position 1131, A replaced by G.
Protein change: p.Lys377=; no amino-acid change (lysine 377 retained).
Molecular consequence: synonymous variant. On other transcripts: non-coding transcript variant (2).
Genome position (GRCh38, 1-based): chr19:12,897,751, A>G. VCF-style: chr19-12897751-A-G. GRCh37 (hg19) VCF-style: chr19-13008565-A-G.
Other names: c.1131A>G, p.Lys377= (NM_013976.5).
Identifiers: ClinVar variation 1116507 (VCV001116507.36), dbSNP rs139241235, ClinGen allele CA9234616.

ClinVar aggregate classification (germline): Likely benign. Review status: criteria provided, multiple submitters, no conflicts (2 of 4 stars). 4 submissions from 4 submitters: Likely benign (4). Last evaluated 2024-04-30.

Conditions:
Glutaric aciduria, type 1. Also called: Glutaric acidemia type I; Glutaricacidemia Type 1; Glutaryl-CoA dehydrogenase deficiency; GA I; Glutaricaciduria, type I; Glutaric Acidemia Type 1. Identifiers: Orphanet 25, MedGen C0268595, MONDO:0009281, OMIM 231670.

Allele frequency attached by ClinVar (database versions not stated): gnomAD 0.00001 and 0.00003; gnomAD exomes 0.00001 and 0.00003; TOPMed 0.00003; ExAC 0.00004; ESP Exome Variant Server 0.00015; 1000 Genomes Project 30x 0.00016; 1000 Genomes Project 0.00020.
gnomAD v4.1: 23 of 1,614,074 alleles (0.0014%); highest among the groups gnomAD compares: Admixed American, 0.0033%; no homozygotes.

Submissions (4):

Blueprint Genetics
Classification: Likely benign. Last evaluated: 2024-04-30. Review status: criteria provided, single submitter. Criteria: ACMG Guidelines, 2015. Collection method: clinical testing. Allele origin: germline.

Labcorp Genetics (formerly Invitae), Labcorp
Classification: Likely benign for Glutaric aciduria, type 1. Last evaluated: 2023-10-25. Review status: criteria provided, single submitter. Criteria: Invitae Variant Classification Sherloc (09022015). Collection method: clinical testing. Allele origin: germline.

CeGaT Center for Human Genetics Tuebingen
Classification: Likely benign. Last evaluated: 2022-03-01. Review status: criteria provided, single submitter. Criteria: CeGaT Center For Human Genetics Tuebingen Variant Classification Criteria Version 2. Collection method: clinical testing. Allele origin: germline. Affected: yes. Observed: 1 variant allele.
Comment: GCDH: BP4, BP7

GeneDx
Classification: Likely benign. Last evaluated: 2019-02-15. Review status: criteria provided, single submitter. Criteria: GeneDx Variant Classification Process June 2021. Collection method: clinical testing. Allele origin: germline. Affected: yes.